The following is an entry in ClinVar:

NM_001366385.1(CARD14):c.1144A>G (p.Lys382Glu)

Gene: CARD14 (caspase recruitment domain family member 14; plus strand). Cytogenetic location: 17q25.3.
Variant type: single nucleotide variant.
Coding change: c.1144A>G on transcript NM_001366385.1 (MANE Select); coding-DNA position 1144, A replaced by G.
Protein change: p.Lys382Glu; replaces lysine 382 with glutamic acid.
Molecular consequence: missense variant. On other transcripts: non-coding transcript variant (1).
Genome position (GRCh38, 1-based): chr17:80,191,377, A>G. VCF-style: chr17-80191377-A-G. GRCh37 (hg19) VCF-style: chr17-78165176-A-G.
Other names: c.1144A>G, p.Lys382Glu (NM_001257970.1, NM_024110.4); c.433A>G, p.Lys145Glu (NM_052819.3); short protein forms K382E, K145E.
Identifiers: ClinVar variation 2931752 (VCV002931752.3), dbSNP rs1164133596, ClinGen allele CA401346040.

ClinVar aggregate classification (germline): Uncertain significance (1 of 4 stars; one submission).

Conditions:
Pityriasis rubra pilaris (PRP). Also called: Pityriasis rubra pilaris--familial type. Identifiers: Orphanet 2897, MedGen C0032027, MONDO:0100017, OMIM 173200, MONDO:0008251.
Psoriasis 2. Identifiers: MedGen C1864497, MONDO:0011269, OMIM 602723.

Allele frequency attached by ClinVar (database versions not stated): gnomAD exomes below 0.00001; TOPMed below 0.00001.
gnomAD v4.1: 2 of 1,613,830 alleles (0.00012%); highest among the groups gnomAD compares: Admixed American, 0.0033%; no homozygotes.

Submission:

Labcorp Genetics (formerly Invitae), Labcorp
Classification: Uncertain significance for Pityriasis rubra pilaris; Psoriasis 2. Last evaluated: 2022-11-08. Review status: criteria provided, single submitter. Criteria: Invitae Variant Classification Sherloc (09022015). Collection method: clinical testing. Allele origin: germline.
Comment: This variant has not been reported in the literature in individuals affected with CARD14-related conditions. This variant is present in population databases (no rsID available, gnomAD 0.003%). This sequence change replaces lysine, which is basic and polar, with glutamic acid, which is acidic and polar, at codon 382 of the CARD14 protein (p.Lys382Glu). Advanced modeling of protein sequence and biophysical properties (such as structural, functional, and spatial information, amino acid conservation, physicochemical variation, residue mobility, and thermodynamic stability) performed at Invitae indicates that this missense variant is expected to disrupt CARD14 protein function. In summary, the available evidence is currently insufficient to determine the role of this variant in disease. Therefore, it has been classified as a Variant of Uncertain Significance.